The following is an entry in ClinVar:

NM_000370.3(TTPA):c.205-1del

Gene: TTPA (alpha tocopherol transfer protein; minus strand). Cytogenetic location: 8q12.3.
Variant type: Deletion.
Coding change: c.205-1del on transcript NM_000370.3 (MANE Select); the canonical splice acceptor site of the intron before coding-DNA position 205, one base deleted (G; older notation c.205-1delG).
Molecular consequence: splice acceptor variant. On other transcripts: intron variant (2).
Genome position (GRCh38, 1-based): chr8:63,073,089, C deleted on the plus strand (G on the coding strand, the reverse complement: TTPA is on the minus strand). VCF-style (leftmost placement, unchanged base first): chr8-63073088-AC-A. GRCh37 (hg19) VCF-style: chr8-63985647-AC-A.
Other names: c.205-11664del (NM_001413417.1); c.205-8773del (NM_001413414.1); c.205-1del (NM_001413415.1, NM_001413416.1, NM_001413418.1).
Identifiers: ClinVar variation 3358879 (VCV003358879.1).

ClinVar aggregate classification (germline): Likely pathogenic (1 of 4 stars; one submission).

Conditions:
Familial isolated deficiency of vitamin E (AVED). Also called: Ataxia with isolated vitamin E deficiency; ATAXIA, FRIEDREICH-LIKE, WITH SELECTIVE VITAMIN E DEFICIENCY. Identifiers: Orphanet 96, MedGen C1848533, MONDO:0010188, OMIM 277460.

Submission:

Concord Molecular Medicine Laboratory, Concord Repatriation General Hospital
Classification: Likely pathogenic for Familial isolated deficiency of vitamin E. Last evaluated: 2024-10-02. Review status: criteria provided, single submitter. Criteria: ACMG Guidelines, 2015. Collection method: clinical testing. Allele origin: germline. Inheritance: Autosomal recessive inheritance. Affected: yes. Observed: 1 homozygote.
Comment: The variant is predicted to lead to loss of function of the canonical acceptor splice site. This variant has not been observed in control population database (gnomAD v4.1.0).